The following is an entry in ClinVar:

NM_031471.6(FERMT3):c.895-5C>T

Gene: FERMT3 (FERM domain containing kindlin 3; plus strand). Cytogenetic location: 11q13.1.
Variant type: single nucleotide variant.
Coding change: c.895-5C>T on transcript NM_031471.6 (MANE Select); 5 bases into the intron before coding-DNA position 895, C replaced by T.
Molecular consequence: intron variant.
Genome position (GRCh38, 1-based): chr11:64,219,519, C>T. VCF-style: chr11-64219519-C-T. GRCh37 (hg19) VCF-style: chr11-63986991-C-T.
Other names: p.?; c.895-5C>T (NM_001382448.1, NM_178443.3, NM_001382362.1 and 1 more transcripts); c.355-5C>T (NM_001382364.1, NM_001382363.1).
Identifiers: ClinVar variation 2882270 (VCV002882270.4), dbSNP rs774974839, ClinGen allele CA6068948.

ClinVar aggregate classification (germline): Likely benign. Review status: criteria provided, multiple submitters, no conflicts (2 of 4 stars). 2 submissions from 2 submitters: Likely benign (2). Last evaluated 2025-05-21.

Conditions:
Leukocyte adhesion deficiency 3. Also called: Leukocyte adhesion deficiency, type III; INTEGRIN ACTIVATION DEFICIENCY DISEASE; LEUKOCYTE ADHESION DEFICIENCY 1 VARIANT. Identifiers: Orphanet 2968, Orphanet 99844, MedGen C2748536, MONDO:0013016, OMIM 612840.

Allele frequency attached by ClinVar (database versions not stated): gnomAD exomes 0.00002; ExAC 0.00002.
gnomAD v4.1: 24 of 1,601,412 alleles (0.0015%); highest among the groups gnomAD compares: Non-Finnish European, 0.002%; no homozygotes.

Submissions (2):

Labcorp Genetics (formerly Invitae), Labcorp
Classification: Likely benign for Leukocyte adhesion deficiency 3. Last evaluated: 2025-05-21. Review status: criteria provided, single submitter. Criteria: Invitae Variant Classification Sherloc (09022015). Collection method: clinical testing. Allele origin: germline.

Mayo Clinic Laboratories, Mayo Clinic
Classification: Likely benign. Last evaluated: 2024-12-04. Review status: criteria provided, single submitter. Criteria: ACMG Guidelines, 2015. Collection method: clinical testing. Allele origin: germline. Observed: 1 variant allele.
Comment: BP4, BP7